The following is an entry in ClinVar:

NM_020778.5(ALPK3):c.3286T>C (p.Ser1096Pro)

Gene: ALPK3 (alpha kinase 3; plus strand). Cytogenetic location: 15q25.3.
Variant type: single nucleotide variant.
Coding change: c.3286T>C on transcript NM_020778.5 (MANE Select); coding-DNA position 3286, T replaced by C.
Protein change: p.Ser1096Pro; replaces serine 1096 with proline.
Molecular consequence: missense variant.
Genome position (GRCh38, 1-based): chr15:84,858,024, T>C. VCF-style: chr15-84858024-T-C. GRCh37 (hg19) VCF-style: chr15-85401255-T-C.
Other names: short protein forms S1096P.
Identifiers: ClinVar variation 2728119 (VCV002728119.3), dbSNP rs2505721648, ClinGen allele CA393359969.

ClinVar aggregate classification (germline): Uncertain significance (1 of 4 stars; one submission).

Submission:

Labcorp Genetics (formerly Invitae), Labcorp
Classification: Uncertain significance. Last evaluated: 2023-11-13. Review status: criteria provided, single submitter. Criteria: Invitae Variant Classification Sherloc (09022015). Collection method: clinical testing. Allele origin: germline.
Comment: This sequence change replaces serine, which is neutral and polar, with proline, which is neutral and non-polar, at codon 1298 of the ALPK3 protein (p.Ser1298Pro). This variant is not present in population databases (gnomAD no frequency). This variant has not been reported in the literature in individuals affected with ALPK3-related conditions. Advanced modeling of protein sequence and biophysical properties (such as structural, functional, and spatial information, amino acid conservation, physicochemical variation, residue mobility, and thermodynamic stability) performed at Invitae indicates that this missense variant is not expected to disrupt ALPK3 protein function with a negative predictive value of 80%. In summary, the available evidence is currently insufficient to determine the role of this variant in disease. Therefore, it has been classified as a Variant of Uncertain Significance.